The following is an entry in ClinVar:

NM_005505.5(SCARB1):c.803C>T (p.Pro268Leu)

Gene: SCARB1 (scavenger receptor class B member 1; minus strand). Cytogenetic location: 12q24.31.
Variant type: single nucleotide variant.
Coding change: c.803C>T on transcript NM_005505.5 (MANE Select); coding-DNA position 803, C replaced by T.
Protein change: p.Pro268Leu; replaces proline 268 with leucine.
Molecular consequence: missense variant. On other transcripts: non-coding transcript variant (6), intron variant (1).
Genome position (GRCh38, 1-based): chr12:124,810,213, G>A on the plus strand (C>T on the coding strand, the complement: SCARB1 is on the minus strand). VCF-style: chr12-124810213-G-A. GRCh37 (hg19) VCF-style: chr12-125294759-G-A.
Other names: c.803C>T, p.Pro268Leu (NM_001082959.2, NM_001367981.1, NM_001367983.1 and 4 more transcripts); c.680C>T, p.Pro227Leu (NM_001367982.1); c.779C>T, p.Pro260Leu (NM_001367985.1); c.726+1657C>T (NM_001367988.1); short protein forms P227L, P260L, P268L.
Identifiers: ClinVar variation 4703073 (VCV004703073.1).
Genomic context (GRCh38, chr12:124,810,213, plus strand): 5'-GCCCCGAGTCCCAGTGATTACCGGCAGGCCTCCGGGCTGTAGAACTCCAGCGAGGACTCA[G>A]GAGTCATGAAGGGCGGCCACATTTGCCCAGAAGTTCCATTGATCATGTTGCACTGATCGG-3'
Protein context (NP_005496.4, residues 258-278): SGQMWPPFMT[Pro268Leu]ESSLEFYSPE

ClinVar aggregate classification (germline): Uncertain significance (1 of 4 stars; one submission).

gnomAD v4.1: 2 of 1,613,958 alleles (0.00012%); highest among the groups gnomAD compares: Non-Finnish European, 0.00017%; no homozygotes.

Submission:

Labcorp Genetics (formerly Invitae), Labcorp
Classification: Uncertain significance. Last evaluated: 2025-03-16. Review status: criteria provided, single submitter. Criteria: Invitae Variant Classification Sherloc (09022015). Collection method: clinical testing. Allele origin: germline.
Comment: This sequence change replaces proline, which is neutral and non-polar, with leucine, which is neutral and non-polar, at codon 268 of the SCARB1 protein (p.Pro268Leu). This variant is present in population databases (rs749977931, gnomAD 0.0009%). This variant has not been reported in the literature in individuals affected with SCARB1-related conditions. Invitae Evidence Modeling of protein sequence and biophysical properties (such as structural, functional, and spatial information, amino acid conservation, physicochemical variation, residue mobility, and thermodynamic stability) has been performed for this missense variant. However, the output from this modeling did not meet the statistical confidence thresholds required to predict the impact of this variant on SCARB1 protein function. In summary, the available evidence is currently insufficient to determine the role of this variant in disease. Therefore, it has been classified as a Variant of Uncertain Significance.